The following is an entry in ClinVar:

NM_000077.5(CDKN2A):c.391C>A (p.Arg131Ser)

Gene: CDKN2A (cyclin dependent kinase inhibitor 2A; minus strand). Cytogenetic location: 9p21.3.
Variant type: single nucleotide variant.
Coding change: c.391C>A on transcript NM_000077.5; coding-DNA position 391, C replaced by A.
Protein change: p.Arg131Ser; replaces arginine 131 with serine.
Molecular consequence: missense variant (on NM_000077.6). On other transcripts: 3 prime UTR variant (2).
Genome position (GRCh38, 1-based): chr9:21,970,968, G>T on the plus strand (C>A on the coding strand, the complement: CDKN2A is on the minus strand). VCF-style: chr9-21970968-G-T. GRCh37 (hg19) VCF-style: chr9-21970967-G-T.
Other names: c.391C>A, p.Arg131Ser (NM_000077.6, NM_001195132.2); c.238C>A, p.Arg80Ser (NM_001363763.2); c.*35C>A (NM_058195.4); c.*314C>A (NM_058197.5); short protein forms R131S, R80S.
Identifiers: ClinVar variation 1366069 (VCV001366069.8), dbSNP rs755927351, ClinGen allele CA373085929.

ClinVar aggregate classification (germline): Uncertain significance (1 of 4 stars; one submission).

Conditions:
Familial melanoma. Also called: Hereditary melanoma; Hereditary cutaneous melanoma. Identifiers: Orphanet 618, MedGen C1512419, MONDO:0018961.

Submission:

Labcorp Genetics (formerly Invitae), Labcorp
Classification: Uncertain significance for Familial melanoma. Last evaluated: 2021-07-06. Review status: criteria provided, single submitter. Criteria: Invitae Variant Classification Sherloc (09022015). Collection method: clinical testing. Allele origin: germline.
Comment: In summary, the available evidence is currently insufficient to determine the role of this variant in disease. Therefore, it has been classified as a Variant of Uncertain Significance. Algorithms developed to predict the effect of missense changes on protein structure and function are either unavailable or do not agree on the potential impact of this missense change (SIFT: "Deleterious"; PolyPhen-2: "Benign"; Align-GVGD: "Class C15"). This variant has not been reported in the literature in individuals affected with CDKN2A (p16INK4a)-related conditions. This variant is not present in population databases (ExAC no frequency). This sequence change replaces arginine with serine at codon 131 of the CDKN2A (p16INK4a) protein (p.Arg131Ser). The arginine residue is highly conserved and there is a moderate physicochemical difference between arginine and serine.